The following is an entry in ClinVar:

ClinVar aggregate classification (germline): Pathogenic (1 of 4 stars; one submission).

Conditions:
Severe early-childhood-onset retinal dystrophy (STGD1). Also called: STGD; Stargardt macular dystrophy; Juvenile onset macular degeneration; Stargardt disease 1; MACULAR DYSTROPHY WITH FLECKS, TYPE 1. Identifiers: Orphanet 364055, Orphanet 827, MedGen C1855465, MeSH D000080362, MONDO:0009549, OMIM 248200.

Submission:

Ocular Genomics Institute, Massachusetts Eye and Ear
Classification: Pathogenic for Severe early-childhood-onset retinal dystrophy. Last evaluated: 2021-04-08. Review status: criteria provided, single submitter. Criteria: ACMG Guidelines, 2015. Collection method: research. Allele origin: germline. Affected: yes.
Comment: Through a review of available evidence we were able to apply the following criteria: PVS1, PM2, PM3-P. Based on this evidence we have classified this variant as Pathogenic.

Literature cited by the submitters: PubMed 10958763.

NM_000350.3(ABCA4):c.2292_2295delinsAGG (p.Cys764_Ser765delinsTer)

Gene: ABCA4 (ATP binding cassette subfamily A member 4; minus strand). Cytogenetic location: 1p22.1.
Variant type: Indel.
Coding change: c.2292_2295delinsAGG on transcript NM_000350.3 (MANE Select); coding-DNA positions 2292 to 2295, TAGT replaced by AGG.
Protein change: p.Cys764_Ser765delinsTer.
Molecular consequence: nonsense.
Genome position (GRCh38, 1-based): chr1:94,056,688-94,056,691, ACTA replaced by CCT on the plus strand (TAGT replaced by AGG on the coding strand, the reverse complement: ABCA4 is on the minus strand). VCF-style: chr1-94056688-ACTA-CCT. GRCh37 (hg19) VCF-style: chr1-94522244-ACTA-CCT.
Identifiers: ClinVar variation 1065685 (VCV001065685.1), dbSNP rs2101069758, ClinGen allele CA645372179.